The following is an entry in ClinVar:

NM_025257.3(SLC44A4):c.1709T>G (p.Phe570Cys)

Gene: SLC44A4 (solute carrier family 44 member 4; minus strand). Cytogenetic location: 6p21.33.
Variant type: single nucleotide variant.
Coding change: c.1709T>G on transcript NM_025257.3 (MANE Select); coding-DNA position 1709, T replaced by G.
Protein change: p.Phe570Cys; replaces phenylalanine 570 with cysteine.
Molecular consequence: missense variant.
Genome position (GRCh38, 1-based): chr6:31,865,366, A>C on the plus strand (T>G on the coding strand, the complement: SLC44A4 is on the minus strand). VCF-style: chr6-31865366-A-C. GRCh37 (hg19) VCF-style: chr6-31833143-A-C.
Other names: c.1583T>G, p.Phe528Cys (NM_001178044.2); c.1481T>G, p.Phe494Cys (NM_001178045.2); short protein forms F494C, F528C, F570C.
Identifiers: ClinVar variation 3957019 (VCV003957019.2).
Genomic context (GRCh38, chr6:31,865,366, plus strand): 5'-CAGCCTAACCTGACAATGTTTCGCATGAGTAGCATGAACGCATTTTTGGCTGAGACACAG[A>C]AATTCTTCCCGTAGATGGCGATCTGAGGGAGGTGGAAAGGTCAGAGTTACCAAGGCGAGC-3'
Protein context (NP_079533.2, residues 560-580): YIMIAIYGKN[Phe570Cys]CVSAKNAFML

ClinVar aggregate classification (germline): Uncertain significance. Review status: criteria provided, multiple submitters, no conflicts (2 of 4 stars). 2 submissions from 2 submitters: Uncertain significance (2). Last evaluated 2025-09-28.

Conditions:
SLC44A4-related disorder. Also called: SLC44A4-related condition.

gnomAD v4.1: 65 of 1,613,912 alleles (0.004%); highest among the groups gnomAD compares: Non-Finnish European, 0.005%; no homozygotes.

Submissions (2):

PreventionGenetics, part of Exact Sciences
Classification: Uncertain significance for SLC44A4-related condition. Last evaluated: 2025-09-28. Review status: criteria provided, single submitter. Criteria: ACMG Guidelines, 2015. Collection method: clinical testing. Allele origin: germline.
Comment: The SLC44A4 c.1709T>G variant is predicted to result in the amino acid substitution p.Phe570Cys. To our knowledge, this variant has not been reported in the literature. This variant is reported in 0.0039% of alleles in individuals of European (Non-Finnish) descent in gnomAD. At this time, the clinical significance of this variant is uncertain due to the absence of conclusive functional and genetic evidence.

Ambry Genetics
Classification: Uncertain significance. Last evaluated: 2025-04-30. Review status: criteria provided, single submitter. Criteria: Ambry Variant Classification Scheme 2023. Collection method: clinical testing. Allele origin: germline.